The following is an entry in ClinVar:

ClinVar aggregate classification (germline): Pathogenic/Likely pathogenic. Review status: criteria provided, multiple submitters, no conflicts (2 of 4 stars). 2 submissions from 2 submitters: Pathogenic (1); Likely pathogenic (1). Last evaluated 2023-11-05.

Conditions:
Congenital hyperammonemia, type I. Also called: Carbamoyl phosphate synthetase 1 deficiency; Hyperammonemia due to carbamoyl phosphate synthetase 1 deficiency; CPS 1 deficiency; Carbamyl phosphate synthetase (CPS) deficiency; Carbamoyl phosphate synthetase I deficiency disease; CPS I DEFICIENCY. Identifiers: Orphanet 147, MedGen C4082171, MONDO:0009376, OMIM 237300.
Pulmonary hypertension, neonatal, susceptibility to (PHN). Identifiers: MedGen C3714958, MONDO:0014151, OMIM 615371.

Allele frequency attached by ClinVar (database versions not stated): gnomAD exomes below 0.00001; ExAC 0.00001; ESP Exome Variant Server 0.00008.
gnomAD v4.1: 2 of 1,612,220 alleles (0.00012%); highest among the groups gnomAD compares: Non-Finnish European, 0.00017%; no homozygotes.

Submissions (2):

Labcorp Genetics (formerly Invitae), Labcorp
Classification: Pathogenic for Congenital hyperammonemia, type I. Last evaluated: 2023-11-05. Review status: criteria provided, single submitter. Criteria: Invitae Variant Classification Sherloc (09022015). Collection method: clinical testing. Allele origin: germline.
Comment: This sequence change replaces valine, which is neutral and non-polar, with glycine, which is neutral and non-polar, at codon 457 of the CPS1 protein (p.Val457Gly). This variant is present in population databases (rs371350538, gnomAD 0.0009%). This missense change has been observed in individual(s) with carbamoyl phosphate synthetase I deficiency (PMID: 12955727; Invitae). In at least one individual the data is consistent with being in trans (on the opposite chromosome) from a pathogenic variant. ClinVar contains an entry for this variant (Variation ID: 1458373). Advanced modeling of protein sequence and biophysical properties (such as structural, functional, and spatial information, amino acid conservation, physicochemical variation, residue mobility, and thermodynamic stability) has been performed at Invitae for this missense variant, however the output from this modeling did not meet the statistical confidence thresholds required to predict the impact of this variant on CPS1 protein function. For these reasons, this variant has been classified as Pathogenic.

Baylor Genetics
Classification: Likely pathogenic for Pulmonary hypertension, neonatal, susceptibility to. Last evaluated: 2023-01-03. Review status: criteria provided, single submitter. Criteria: ACMG Guidelines, 2015. Collection method: clinical testing. Allele origin: unknown.

Literature cited by the submitters: PubMed 12955727 (cited by Labcorp Genetics (formerly Invitae), Labcorp).

NM_001875.5(CPS1):c.1370T>G (p.Val457Gly)

Gene: CPS1 (carbamoyl-phosphate synthase 1; plus strand). Cytogenetic location: 2q34.
Variant type: single nucleotide variant.
Coding change: c.1370T>G on transcript NM_001875.5 (MANE Select); coding-DNA position 1370, T replaced by G.
Protein change: p.Val457Gly; replaces valine 457 with glycine.
Molecular consequence: missense variant. On other transcripts: non-coding transcript variant (2).
Genome position (GRCh38, 1-based): chr2:210,599,382, T>G. VCF-style: chr2-210599382-T-G. GRCh37 (hg19) VCF-style: chr2-211464106-T-G.
Other names: c.1370T>G, p.Val457Gly (NM_001122633.3, NM_001369257.1); c.1403T>G, p.Val468Gly (NM_001369256.1); short protein forms V457G, V468G.
Identifiers: ClinVar variation 1458373 (VCV001458373.7), dbSNP rs371350538, ClinGen allele CA2086356.